The following is an entry in ClinVar:

NM_032578.4(MYPN):c.1876G>A (p.Asp626Asn)

Gene: MYPN (myopalladin; plus strand). Cytogenetic location: 10q21.3.
Variant type: single nucleotide variant.
Coding change: c.1876G>A on transcript NM_032578.4 (MANE Select); coding-DNA position 1876, G replaced by A.
Protein change: p.Asp626Asn; replaces aspartic acid 626 with asparagine.
Molecular consequence: missense variant. On other transcripts: non-coding transcript variant (2).
Genome position (GRCh38, 1-based): chr10:68,166,569, G>A. VCF-style: chr10-68166569-G-A. GRCh37 (hg19) VCF-style: chr10-69926326-G-A.
Other names: c.1876G>A, p.Asp626Asn (NM_001256267.2); c.994G>A, p.Asp332Asn (NM_001256268.2); c.1876G>A (NM_032578.3); short protein forms D626N, D332N.
Identifiers: ClinVar variation 691723 (VCV000691723.10), dbSNP rs754064567, ClinGen allele CA5522672.

ClinVar aggregate classification (germline): Conflicting classifications of pathogenicity. Review status: criteria provided, conflicting classifications (1 of 4 stars). 4 submissions from 4 submitters: Uncertain significance (2); Likely benign (2). Last evaluated 2024-01-03.

Conditions:
Primary dilated cardiomyopathy (DCM). Also called: Dilated Cardiomyopathy. Identifiers: Orphanet 217604, MedGen C0007193, MeSH D002311, MONDO:0005021, HP:0001644. Inheritance: Various modes of inheritance.
Dilated cardiomyopathy 1KK (CMD1KK). Identifiers: Orphanet 154, Orphanet 75249, MedGen C3714995, MONDO:0014100, OMIM 615248.
Cardiovascular phenotype. Identifiers: MedGen CN230736.

Allele frequency attached by ClinVar (database versions not stated): gnomAD 0.00001; gnomAD exomes 0.00001; TOPMed 0.00001; ExAC 0.00002.
gnomAD v4.1: 18 of 1,613,986 alleles (0.0011%); highest among the groups gnomAD compares: Admixed American, 0.0033%; no homozygotes.

Submissions (4):

Ambry Genetics
Classification: Likely benign for Cardiovascular phenotype. Last evaluated: 2024-01-03. Review status: criteria provided, single submitter. Criteria: Ambry Variant Classification Scheme 2023. Collection method: clinical testing. Allele origin: germline.

GeneDx
Classification: Uncertain significance. Last evaluated: 2023-04-20. Review status: criteria provided, single submitter. Criteria: GeneDx Variant Classification Process June 2021. Collection method: clinical testing. Allele origin: germline. Affected: yes.
Comment: Not observed at significant frequency in large population cohorts (gnomAD); In silico analysis supports that this missense variant does not alter protein structure/function; Has not been previously published as pathogenic or benign to our knowledge

Labcorp Genetics (formerly Invitae), Labcorp
Classification: Uncertain significance for Dilated cardiomyopathy 1KK. Last evaluated: 2022-06-13. Review status: criteria provided, single submitter. Criteria: Invitae Variant Classification Sherloc (09022015). Collection method: clinical testing. Allele origin: germline.
Comment: In summary, the available evidence is currently insufficient to determine the role of this variant in disease. Therefore, it has been classified as a Variant of Uncertain Significance. Algorithms developed to predict the effect of missense changes on protein structure and function output the following: SIFT: "Tolerated"; PolyPhen-2: "Benign"; Align-GVGD: "Class C0". The asparagine amino acid residue is found in multiple mammalian species, which suggests that this missense change does not adversely affect protein function. ClinVar contains an entry for this variant (Variation ID: 691723). This variant has not been reported in the literature in individuals affected with MYPN-related conditions. This variant is present in population databases (rs754064567, gnomAD 0.007%). This sequence change replaces aspartic acid, which is acidic and polar, with asparagine, which is neutral and polar, at codon 626 of the MYPN protein (p.Asp626Asn).

Center for Advanced Laboratory Medicine, UC San Diego Health, University of California San Diego
Classification: Likely benign for Dilated cardiomyopathy. Last evaluated: 2019-06-11. Review status: criteria provided, single submitter. Criteria: ACMG Guidelines, 2015. Collection method: clinical testing. Allele origin: germline. Affected: yes. Observed: 1 variant allele.